The following is an entry in ClinVar:

NM_001277115.2(DNAH11):c.6653A>T (p.His2218Leu)

Gene: DNAH11 (dynein axonemal heavy chain 11; plus strand). Cytogenetic location: 7p15.3.
Variant type: single nucleotide variant.
Coding change: c.6653A>T on transcript NM_001277115.2 (MANE Select); coding-DNA position 6653, A replaced by T.
Protein change: p.His2218Leu; replaces histidine 2218 with leucine.
Molecular consequence: missense variant.
Genome position (GRCh38, 1-based): chr7:21,707,805, A>T. VCF-style: chr7-21707805-A-T. GRCh37 (hg19) VCF-style: chr7-21747423-A-T.
Other names: short protein forms H2218L.
Identifiers: ClinVar variation 4992493 (VCV004992493.1).

ClinVar aggregate classification (germline): Uncertain significance (1 of 4 stars; one submission).

Conditions:
DNAH11-related disorder. Also called: DNAH11-related condition.

Submission:

PreventionGenetics, part of Exact Sciences
Classification: Uncertain significance for DNAH11-related condition. Last evaluated: 2025-10-13. Review status: criteria provided, single submitter. Criteria: ACMG Guidelines, 2015. Collection method: clinical testing. Allele origin: germline.
Comment: The DNAH11 c.6653A>T variant is predicted to result in the amino acid substitution p.His2218Leu. To our knowledge, this variant has not been reported in the literature or in a large population database (gnomAD), indicating this variant is rare. At this time, the clinical significance of this variant is uncertain due to the absence of conclusive functional and genetic evidence.